The following is an entry in ClinVar:

NM_014679.5(CEP57):c.527A>G (p.Gln176Arg)

Gene: CEP57 (centrosomal protein 57; plus strand). Cytogenetic location: 11q21.
Variant type: single nucleotide variant.
Coding change: c.527A>G on transcript NM_014679.5 (MANE Select); coding-DNA position 527, A replaced by G.
Protein change: p.Gln176Arg; replaces glutamine 176 with arginine.
Molecular consequence: missense variant.
Genome position (GRCh38, 1-based): chr11:95,817,809, A>G. VCF-style: chr11-95817809-A-G. GRCh37 (hg19) VCF-style: chr11-95550973-A-G.
Other names: c.500A>G, p.Gln167Arg (NM_001243776.2); c.527A>G, p.Gln176Arg (NM_001243777.2); c.446A>G, p.Gln149Arg (NM_001363604.2); short protein forms Q167R, Q176R, Q149R.
Identifiers: ClinVar variation 3490834 (VCV003490834.1).

ClinVar aggregate classification (germline): Uncertain significance (1 of 4 stars; one submission).

Conditions:
Inborn genetic diseases. Identifiers: MedGen C0950123, MeSH D030342.

gnomAD v4.1: 9 of 1,613,716 alleles (0.00056%); highest among the groups gnomAD compares: South Asian, 0.0088%; no homozygotes.

Submission:

Ambry Genetics
Classification: Uncertain significance for Inborn genetic diseases. Last evaluated: 2024-11-25. Review status: criteria provided, single submitter. Criteria: Ambry Variant Classification Scheme 2023. Collection method: clinical testing. Allele origin: germline.
Comment: The p.Q176R variant (also known as c.527A>G), located in coding exon 5 of the CEP57 gene, results from an A to G substitution at nucleotide position 527. The glutamine at codon 176 is replaced by arginine, an amino acid with highly similar properties. This amino acid position is conserved. In addition, this alteration is predicted to be tolerated by in silico analysis. Based on the available evidence, the clinical significance of this variant remains unclear.